The following is an entry in ClinVar:

NM_022725.4(FANCF):c.214T>G (p.Phe72Val)

Gene: FANCF (FA complementation group F; minus strand). Cytogenetic location: 11p14.3.
Variant type: single nucleotide variant.
Coding change: c.214T>G on transcript NM_022725.4 (MANE Select); coding-DNA position 214, T replaced by G.
Protein change: p.Phe72Val; replaces phenylalanine 72 with valine.
Molecular consequence: missense variant.
Genome position (GRCh38, 1-based): chr11:22,625,597, A>C on the plus strand (T>G on the coding strand, the complement: FANCF is on the minus strand). VCF-style: chr11-22625597-A-C. GRCh37 (hg19) VCF-style: chr11-22647143-A-C.
Other names: short protein forms F72V.
Identifiers: ClinVar variation 2144978 (VCV002144978.3), dbSNP rs574667155, ClinGen allele CA5924397.
Genomic context (GRCh38, chr11:22,625,597, plus strand): 5'-GGACGTCACAGTGACCGAGGGCCTGGAAGTTCGCTAATCCCGGAACTGGACCCCGCCCAA[A>C]GCCGCCCTCTTGCCTCCACTGGTTGTGCAGCCGCCGCTCCAGAGCCGTGCGAATGGGGCC-3'
Protein context (NP_073562.1, residues 62-82): LHNQWRQEGG[Phe72Val]GRGPVPGLAN

ClinVar aggregate classification (germline): Uncertain significance (1 of 4 stars; one submission).

Conditions:
Fanconi anemia (FA). Also called: Fanconi's anemia. Identifiers: Orphanet 84, MedGen C0015625, MeSH D005199, MONDO:0019391.

Allele frequency attached by ClinVar (database versions not stated): gnomAD 0.00001; gnomAD exomes 0.00002; ExAC 0.00003; 1000 Genomes Project 30x 0.00016; 1000 Genomes Project 0.00020.

Submission:

Labcorp Genetics (formerly Invitae), Labcorp
Classification: Uncertain significance for Fanconi anemia. Last evaluated: 2024-02-04. Review status: criteria provided, single submitter. Criteria: Invitae Variant Classification Sherloc (09022015). Collection method: clinical testing. Allele origin: germline.
Comment: This sequence change replaces phenylalanine, which is neutral and non-polar, with valine, which is neutral and non-polar, at codon 72 of the FANCF protein (p.Phe72Val). This variant is present in population databases (rs574667155, gnomAD 0.02%). This variant has not been reported in the literature in individuals affected with FANCF-related conditions. ClinVar contains an entry for this variant (Variation ID: 2144978). Advanced modeling of protein sequence and biophysical properties (such as structural, functional, and spatial information, amino acid conservation, physicochemical variation, residue mobility, and thermodynamic stability) performed at Invitae indicates that this missense variant is not expected to disrupt FANCF protein function with a negative predictive value of 80%. In summary, the available evidence is currently insufficient to determine the role of this variant in disease. Therefore, it has been classified as a Variant of Uncertain Significance.